The following is an entry in ClinVar:

ClinVar aggregate classification (germline): Uncertain significance (1 of 4 stars; one submission).

Conditions:
Congenital myasthenic syndrome 20. Also called: Myasthenic syndrome, congenital, 20, presynaptic. Identifiers: MedGen C4310694, MONDO:0014939, OMIM 617143.
Neuronopathy, distal hereditary motor, type 7A. Also called: HARPER-YOUNG MYOPATHY; HMN VIIA; SPINAL MUSCULAR ATROPHY, DISTAL, WITH VOCAL CORD PARALYSIS; Neuronopathy, distal hereditary motor, type viia; NEURONOPATHY, DISTAL HEREDITARY MOTOR, HARDING TYPE VIIA; NEUROPATHY, DISTAL HEREDITARY MOTOR, HARDING TYPE VIIA. Identifiers: Orphanet 139589, MedGen C1834703, MONDO:0008024, OMIM 158580.

Allele frequency attached by ClinVar (database versions not stated): TOPMed below 0.00001; gnomAD 0.00001.
gnomAD v4.1: 1 of 1,614,092 alleles (0.000062%); highest among the groups gnomAD compares: Non-Finnish European, 0.000085%; no homozygotes.

Submission:

Labcorp Genetics (formerly Invitae), Labcorp
Classification: Uncertain significance for Neuronopathy, distal hereditary motor, type 7A; Congenital myasthenic syndrome 20. Last evaluated: 2023-11-18. Review status: criteria provided, single submitter. Criteria: Invitae Variant Classification Sherloc (09022015). Collection method: clinical testing. Allele origin: germline.
Comment: This sequence change replaces serine, which is neutral and polar, with asparagine, which is neutral and polar, at codon 32 of the SLC5A7 protein (p.Ser32Asn). This variant is present in population databases (no rsID available, gnomAD 0.007%). This variant has not been reported in the literature in individuals affected with SLC5A7-related conditions. Advanced modeling of protein sequence and biophysical properties (such as structural, functional, and spatial information, amino acid conservation, physicochemical variation, residue mobility, and thermodynamic stability) performed at Invitae indicates that this missense variant is not expected to disrupt SLC5A7 protein function with a negative predictive value of 80%. In summary, the available evidence is currently insufficient to determine the role of this variant in disease. Therefore, it has been classified as a Variant of Uncertain Significance.

NM_021815.5(SLC5A7):c.95G>A (p.Ser32Asn)

Gene: SLC5A7 (solute carrier family 5 member 7; plus strand). Cytogenetic location: 2q12.3.
Variant type: single nucleotide variant.
Coding change: c.95G>A on transcript NM_021815.5 (MANE Select); coding-DNA position 95, G replaced by A.
Protein change: p.Ser32Asn; replaces serine 32 with asparagine.
Molecular consequence: missense variant. On other transcripts: 5 prime UTR variant (1), intron variant (1).
Genome position (GRCh38, 1-based): chr2:107,988,250, G>A. VCF-style: chr2-107988250-G-A. GRCh37 (hg19) VCF-style: chr2-108604706-G-A.
Other names: c.95G>A, p.Ser32Asn (NM_001305005.3); c.-610G>A (NM_001305007.3); c.-138+1487G>A (NM_001305006.3); short protein forms S32N.
Identifiers: ClinVar variation 2938625 (VCV002938625.3), dbSNP rs1324491054, ClinGen allele CA348019785.